The following is an entry in ClinVar:

ClinVar aggregate classification (germline): Conflicting classifications of pathogenicity. Review status: criteria provided, conflicting classifications (1 of 4 stars). 3 submissions from 3 submitters: Likely pathogenic (2); Uncertain significance (1). Last evaluated 2026-09-04.

Conditions:
Mitochondrial complex IV deficiency, nuclear type 1 (MC4DN1). Also called: COX DEFICIENCY; Mitochondrial complex IV deficiency; Complex 4 mitochondrial respiratory chain deficiency; Deficiency of mitochondrial respiratory chain complex4; Complex IV deficiency. Identifiers: MedGen C5435656, MONDO:0700250, OMIM 220110. Disease mechanism: loss of function.
Charcot-Marie-Tooth disease type 4K. Also called: CHARCOT-MARIE-TOOTH DISEASE, DEMYELINATING, AUTOSOMAL RECESSIVE, TYPE 4K; CHARCOT-MARIE-TOOTH NEUROPATHY, DEMYELINATING, AUTOSOMAL RECESSIVE, TYPE 4K; CHARCOT-MARIE-TOOTH DISEASE, DEMYELINATING, TYPE 4K. Identifiers: Orphanet 391351, MedGen C4225246, MONDO:0014733, OMIM 616684.
SURF1-related disorder. Also called: SURF1-related condition.

gnomAD v4.1: 1 of 1,613,728 alleles (0.000062%); highest among the groups gnomAD compares: Non-Finnish European, 0.000085%; no homozygotes.

Submissions (3):

PreventionGenetics, part of Exact Sciences
Classification: Likely pathogenic for SURF1-related condition. Last evaluated: 2026-09-04. Review status: criteria provided, single submitter. Criteria: ACMG Guidelines, 2015. Collection method: clinical testing. Allele origin: germline.
Comment: The SURF1 c.893C>T variant is predicted to result in the amino acid substitution p.Pro298Leu. This variant was reported with a second SURF1 variant in several individuals with mitochondrial complex IV deficiency, nuclear type 1 (Mani et al 2020. PubMed ID: 32380162). This variant has not been reported in a large population database (gnomAD), indicating this variant is rare. This variant is interpreted as likely pathogenic.

Fulgent Genetics
Classification: Likely pathogenic for Mitochondrial complex IV deficiency, nuclear type 1; Charcot-Marie-Tooth disease type 4K. Last evaluated: 2024-06-13. Review status: criteria provided, single submitter. Criteria: ACMG Guidelines, 2015. Collection method: clinical testing. Allele origin: germline.

Women's Health and Genetics/Laboratory Corporation of America, LabCorp
Classification: Uncertain significance. Last evaluated: 2024-06-13. Review status: criteria provided, single submitter. Criteria: LabCorp Variant Classification Summary - May 2015. Collection method: clinical testing. Allele origin: germline.
Comment: Variant summary: SURF1 c.893C>T (p.Pro298Leu) results in a non-conservative amino acid change in the encoded protein sequence. Four of five in-silico tools predict a damaging effect of the variant on protein function. The variant was absent in 250288 control chromosomes. c.893C>T has been reported in the literature as an uninformative genotype (i.e. zygosity not specified) in individuals affected with Leigh Syndrome (Mani_2020). These report(s) do not provide unequivocal conclusions about association of the variant with Leigh Syndrome. At least one publication reports experimental evidence evaluating an impact on protein function (Mani_2020). The most pronounced effect resulted in approximately 55% COX activity in cells expressing the variant versus those expressing the WT protein. The following publication has been ascertained in the context of this evaluation (PMID: 32380162). No submitters have cited clinical-significance assessments for this variant to ClinVar. Based on the evidence outlined above, the variant was classified as uncertain significance.

Literature cited by the submitters: PubMed 32380162 (cited by Women's Health and Genetics/Laboratory Corporation of America, LabCorp).

NM_003172.4(SURF1):c.893C>T (p.Pro298Leu)

Gene: SURF1 (SURF1 cytochrome c oxidase assembly factor; minus strand). Cytogenetic location: 9q34.2.
Variant type: single nucleotide variant.
Coding change: c.893C>T on transcript NM_003172.4 (MANE Select); coding-DNA position 893, C replaced by T.
Protein change: p.Pro298Leu; replaces proline 298 with leucine.
Molecular consequence: missense variant.
Genome position (GRCh38, 1-based): chr9:133,351,923, G>A on the plus strand (C>T on the coding strand, the complement: SURF1 is on the minus strand). VCF-style: chr9-133351923-G-A. GRCh37 (hg19) VCF-style: chr9-136218778-G-A.
Other names: c.566C>T, p.Pro189Leu (NM_001280787.1); c.893C>T (NM_003172.3); short protein forms P189L, P298L.
Identifiers: ClinVar variation 3339531 (VCV003339531.3).